The following is an entry in ClinVar:

ClinVar aggregate classification (germline): Uncertain significance (1 of 4 stars; one submission).

Conditions:
Leigh syndrome (NULS). Also called: Leigh's necrotizing encephalopathy; Leigh's disease; Leigh Syndrome (mtDNA deletion); Leigh Disease; Subacute necrotizing encephalopathy; Necrotizing encephalopathy infantile subacute of Leigh. Identifiers: Orphanet 506, MedGen C2931891, MONDO:0009723, OMIM 256000.

Submission:

Wong Mito Lab, Molecular and Human Genetics, Baylor College of Medicine
Classification: Uncertain significance for Leigh syndrome. Last evaluated: 2019-10-17. Review status: criteria provided, single submitter. Criteria: Modified ACMG Guidelines (Unpublished). Collection method: clinical testing. Allele origin: germline.
Comment: The NC_012920.1:m.8824A>G (YP_003024031.1:p.Met100Val) variant in MTATP6 gene is interpretated to be a Uncertain Significance variant based on the modified ACMG guidelines (unpublished). This variant meets the following evidence codes: PP7

NC_012920.1(MT-ATP6):m.8824A>G

Gene: MT-ATP6 (mitochondrially encoded ATP synthase 6; plus strand).
Variant type: single nucleotide variant.
Genome position: chrM-8824-A-G.
Identifiers: ClinVar variation 692993 (VCV000692993.1), dbSNP rs1603221827, ClinGen allele CA414798303.